The following is an entry in ClinVar:

ClinVar aggregate classification (germline): Uncertain significance. Review status: criteria provided, multiple submitters, no conflicts (2 of 4 stars). 2 submissions from 2 submitters: Uncertain significance (2). Last evaluated 2025-03-25.

Conditions:
Inborn genetic diseases. Identifiers: MedGen C0950123, MeSH D030342.

Allele frequency attached by ClinVar (database versions not stated): gnomAD exomes 0.00001; gnomAD 0.00002; ExAC 0.00003.
gnomAD v4.1: 17 of 1,520,730 alleles (0.0011%); highest among the groups gnomAD compares: Admixed American, 0.0081%; no homozygotes.

Submissions (2):

Ambry Genetics
Classification: Uncertain significance for Inborn genetic diseases. Last evaluated: 2025-03-25. Review status: criteria provided, single submitter. Criteria: Ambry Variant Classification Scheme 2023. Collection method: clinical testing. Allele origin: germline.

Labcorp Genetics (formerly Invitae), Labcorp
Classification: Uncertain significance. Last evaluated: 2022-04-07. Review status: criteria provided, single submitter. Criteria: Invitae Variant Classification Sherloc (09022015). Collection method: clinical testing. Allele origin: germline.
Comment: This sequence change replaces alanine, which is neutral and non-polar, with valine, which is neutral and non-polar, at codon 570 of the SEC24D protein (p.Ala570Val). The frequency data for this variant in the population databases is considered unreliable, as metrics indicate poor data quality at this position in the gnomAD database. This variant has not been reported in the literature in individuals affected with SEC24D-related conditions. Algorithms developed to predict the effect of missense changes on protein structure and function are either unavailable or do not agree on the potential impact of this missense change (SIFT: "Not Available"; PolyPhen-2: "Possibly Damaging"; Align-GVGD: "Not Available"). In summary, the available evidence is currently insufficient to determine the role of this variant in disease. Therefore, it has been classified as a Variant of Uncertain Significance.

NM_014822.4(SEC24D):c.1709C>T (p.Ala570Val)

Gene: SEC24D (SEC24 homolog D, COPII component; minus strand). Cytogenetic location: 4q26.
Variant type: single nucleotide variant.
Coding change: c.1709C>T on transcript NM_014822.4 (MANE Select); coding-DNA position 1709, C replaced by T.
Protein change: p.Ala570Val; replaces alanine 570 with valine.
Molecular consequence: missense variant.
Genome position (GRCh38, 1-based): chr4:118,745,059, G>A on the plus strand (C>T on the coding strand, the complement: SEC24D is on the minus strand). VCF-style: chr4-118745059-G-A. GRCh37 (hg19) VCF-style: chr4-119666214-G-A.
Other names: c.1712C>T, p.Ala571Val (NM_001318066.2); c.1709C>T (NM_014822.2); short protein forms A570V, A571V.
Identifiers: ClinVar variation 1983843 (VCV001983843.2), dbSNP rs751349617, ClinGen allele CA3057172.